The following is an entry in ClinVar:

ClinVar aggregate classification (germline): Benign/Likely benign. Review status: criteria provided, multiple submitters, no conflicts (2 of 4 stars). 3 submissions from 3 submitters: Benign (1); Likely benign (2). Last evaluated 2026-02-01.

Allele frequency attached by ClinVar (database versions not stated): 1000 Genomes Project 0.00240; 1000 Genomes Project 30x 0.00250; ESP Exome Variant Server 0.00310; gnomAD 0.00362 and 0.00381; TOPMed 0.00390; gnomAD exomes 0.00407; ExAC 0.00781.
gnomAD v4.1: 8,286 of 1,553,274 alleles (0.53%); highest among the groups gnomAD compares: Middle Eastern, 0.8%; 26 homozygotes.

Submissions (3):

CeGaT Center for Human Genetics Tuebingen
Classification: Likely benign. Last evaluated: 2026-02-01. Review status: criteria provided, single submitter. Criteria: CeGaT Center For Human Genetics Tuebingen Variant Classification Criteria Version 2. Collection method: clinical testing. Allele origin: germline. Affected: yes. Observed: 1 variant allele.
Comment: POC1A: BP4, BS2

Labcorp Genetics (formerly Invitae), Labcorp
Classification: Benign. Last evaluated: 2026-02-01. Review status: criteria provided, single submitter. Criteria: Invitae Variant Classification Sherloc (09022015). Collection method: clinical testing. Allele origin: germline.

Blueprint Genetics
Classification: Likely benign. Last evaluated: 2024-11-26. Review status: criteria provided, single submitter. Criteria: ACMG Guidelines, 2015. Collection method: clinical testing. Allele origin: germline.

NM_015426.5(POC1A):c.18+7C>T

Gene: POC1A (POC1 centriolar protein A; minus strand). Cytogenetic location: 3p21.2.
Variant type: single nucleotide variant.
Coding change: c.18+7C>T on transcript NM_015426.5 (MANE Select); 7 bases into the intron after coding-DNA position 18, C replaced by T.
Molecular consequence: intron variant.
Genome position (GRCh38, 1-based): chr3:52,154,348, G>A on the plus strand (C>T on the coding strand, the complement: POC1A is on the minus strand). VCF-style: chr3-52154348-G-A. GRCh37 (hg19) VCF-style: chr3-52188364-G-A.
Other names: c.18+7C>T (NM_001161580.2); c.-168+7C>T (NM_001161581.2).
Identifiers: ClinVar variation 1573351 (VCV001573351.13), dbSNP rs116293720, ClinGen allele CA2429765.